The following is an entry in ClinVar:

ClinVar aggregate classification (germline): Benign/Likely benign. Review status: criteria provided, multiple submitters, no conflicts (2 of 4 stars). 3 submissions from 3 submitters: Benign (2); Likely benign (1). Last evaluated 2026-01-28.

Conditions:
Junctional epidermolysis bullosa. Identifiers: Orphanet 305, MedGen C0079301, MONDO:0017612.

Allele frequency attached by ClinVar (database versions not stated): gnomAD exomes 0.00063 and 0.00169; ExAC 0.00209; 1000 Genomes Project 0.00619; 1000 Genomes Project 30x 0.00640; gnomAD 0.00667 and 0.00715; TOPMed 0.00722; ESP Exome Variant Server 0.00792.
gnomAD v4.1: 1,979 of 1,613,948 alleles (0.12%); highest among the groups gnomAD compares: African/African-American, 2.4%; 28 homozygotes.

Submissions (3):

Labcorp Genetics (formerly Invitae), Labcorp
Classification: Benign. Last evaluated: 2026-01-28. Review status: criteria provided, single submitter. Criteria: Invitae Variant Classification Sherloc (09022015). Collection method: clinical testing. Allele origin: germline.

GeneDx
Classification: Likely benign. Last evaluated: 2018-05-03. Review status: criteria provided, single submitter. Criteria: GeneDx Variant Classification (06012015). Collection method: clinical testing. Allele origin: germline. Affected: yes.
Comment: This variant is considered likely benign or benign based on one or more of the following criteria: it is a conservative change, it occurs at a poorly conserved position in the protein, it is predicted to be benign by multiple in silico algorithms, and/or has population frequency not consistent with disease.

Illumina Laboratory Services, Illumina
Classification: Benign for Junctional epidermolysis bullosa. Last evaluated: 2018-01-12. Review status: criteria provided, single submitter. Criteria: ICSL Variant Classification Criteria 13 December 2019. Collection method: clinical testing. Allele origin: germline.
Comment: This variant was observed in the ICSL laboratory as part of a predisposition screen in an ostensibly healthy population. It had not been previously curated by ICSL or reported in the Human Gene Mutation Database (HGMD: prior to June 1st, 2018), and was therefore a candidate for classification through an automated scoring system. Utilizing variant allele frequency, disease prevalence and penetrance estimates, and inheritance mode, an automated score was calculated to assess if this variant is too frequent to cause the disease. Based on the score and internal cut-off values, a variant classified as benign is not then subjected to further curation. The score for this variant resulted in a classification of benign for this disease.

NM_005562.3(LAMC2):c.269-15C>T

Gene: LAMC2 (laminin subunit gamma 2; plus strand). Cytogenetic location: 1q25.3.
Variant type: single nucleotide variant.
Coding change: c.269-15C>T on transcript NM_005562.3 (MANE Select); 15 bases into the intron before coding-DNA position 269, C replaced by T.
Molecular consequence: intron variant.
Genome position (GRCh38, 1-based): chr1:183,215,438, C>T. VCF-style: chr1-183215438-C-T. GRCh37 (hg19) VCF-style: chr1-183184573-C-T.
Other names: c.269-15C>T (NM_018891.3).
Identifiers: ClinVar variation 293987 (VCV000293987.9), dbSNP rs12085883, ClinGen allele CA1282281.